The following is an entry in ClinVar:

ClinVar aggregate classification (germline): Benign (1 of 4 stars; one submission).

Allele frequency attached by ClinVar (database versions not stated): 1000 Genomes Project 0.45667; 1000 Genomes Project 30x 0.47064; gnomAD exomes 0.52915; ExAC 0.53644; gnomAD 0.54089; TOPMed 0.54422; ESP Exome Variant Server 0.55651.

Submission:

Unidad de Genómica Garrahan, Hospital de Pediatría Garrahan
Classification: Benign. Last evaluated: 2024-01-24. Review status: criteria provided, single submitter. Criteria: ACMG Guidelines, 2015. Collection method: clinical testing. Allele origin: germline. Affected: no. Observed: 81 variant alleles.
Comment: This variant is classified as Benign based on local population frequency. This variant was detected in 85% of patients studied by a panel of primary immunodeficiencies. Number of patients: 81. Only high quality variants are reported.

NM_021067.5(GINS1):c.330+45G>C

Gene: GINS1 (GINS complex subunit 1; plus strand). Cytogenetic location: 20p11.21.
Variant type: single nucleotide variant.
Coding change: c.330+45G>C on transcript NM_021067.5 (MANE Select); 45 bases into the intron after coding-DNA position 330, G replaced by C.
Molecular consequence: intron variant.
Genome position (GRCh38, 1-based): chr20:25,418,240, G>C. VCF-style: chr20-25418240-G-C. GRCh37 (hg19) VCF-style: chr20-25398876-G-C.
Other names: c.330+45G>C (NM_001410830.1); c.76-6971G>C (NM_001410831.1).
Identifiers: ClinVar variation 2687965 (VCV002687965.2), dbSNP rs4815425, ClinGen allele CA9796519.